The following is an entry in ClinVar:

ClinVar aggregate classification (germline): Uncertain significance. Review status: criteria provided, multiple submitters, no conflicts (2 of 4 stars). 3 submissions from 3 submitters: Uncertain significance (3). Last evaluated 2025-10-23.

Conditions:
Primary ciliary dyskinesia. Also called: Ciliary dyskinesia. Identifiers: Orphanet 244, MedGen C0008780, MONDO:0016575, HP:0012265.
Primary ciliary dyskinesia 3. Identifiers: Orphanet 244, MedGen C1837618, MONDO:0012085, OMIM 608644.

Allele frequency attached by ClinVar (database versions not stated): gnomAD exomes below 0.00001; ExAC 0.00001; gnomAD 0.00003.
gnomAD v4.1: 8 of 1,613,842 alleles (0.0005%); highest among the groups gnomAD compares: Middle Eastern, 0.033%; no homozygotes.

Submissions (3):

Labcorp Genetics (formerly Invitae), Labcorp
Classification: Uncertain significance for Primary ciliary dyskinesia. Last evaluated: 2025-10-23. Review status: criteria provided, single submitter. Criteria: Invitae Variant Classification Sherloc (09022015). Collection method: clinical testing. Allele origin: germline.
Comment: This sequence change replaces aspartic acid, which is acidic and polar, with valine, which is neutral and non-polar, at codon 2669 of the DNAH5 protein (p.Asp2669Val). This variant is present in population databases (rs770090882, gnomAD 0.004%). This variant has not been reported in the literature in individuals affected with DNAH5-related conditions. ClinVar contains an entry for this variant (Variation ID: 351056). Invitae Evidence Modeling of protein sequence and biophysical properties (such as structural, functional, and spatial information, amino acid conservation, physicochemical variation, residue mobility, and thermodynamic stability) has been performed for this missense variant. However, the output from this modeling did not meet the statistical confidence thresholds required to predict the impact of this variant on DNAH5 protein function. In summary, the available evidence is currently insufficient to determine the role of this variant in disease. Therefore, it has been classified as a Variant of Uncertain Significance.

Ambry Genetics
Classification: Uncertain significance for Primary ciliary dyskinesia. Last evaluated: 2022-01-26. Review status: criteria provided, single submitter. Criteria: Ambry Variant Classification Scheme 2023. Collection method: clinical testing. Allele origin: germline.

Illumina Laboratory Services, Illumina
Classification: Uncertain significance for Primary ciliary dyskinesia 3. Last evaluated: 2018-01-13. Review status: criteria provided, single submitter. Criteria: ICSL Variant Classification Criteria 13 December 2019. Collection method: clinical testing. Allele origin: germline.

NM_001369.3(DNAH5):c.8006A>T (p.Asp2669Val)

Gene: DNAH5 (dynein axonemal heavy chain 5; minus strand). Cytogenetic location: 5p15.2.
Variant type: single nucleotide variant.
Coding change: c.8006A>T on transcript NM_001369.3 (MANE Select); coding-DNA position 8006, A replaced by T.
Protein change: p.Asp2669Val; replaces aspartic acid 2669 with valine.
Molecular consequence: missense variant.
Genome position (GRCh38, 1-based): chr5:13,793,940, T>A on the plus strand (A>T on the coding strand, the complement: DNAH5 is on the minus strand). VCF-style: chr5-13793940-T-A. GRCh37 (hg19) VCF-style: chr5-13794049-T-A.
Other names: short protein forms D2669V.
Identifiers: ClinVar variation 351056 (VCV000351056.12), dbSNP rs770090882, ClinGen allele CA3202937.